The following is an entry in ClinVar:

NM_020975.6(RET):c.1681A>C (p.Ser561Arg)

Gene: RET (ret proto-oncogene; plus strand). Cytogenetic location: 10q11.21.
Variant type: single nucleotide variant.
Coding change: c.1681A>C on transcript NM_020975.6 (MANE Select); coding-DNA position 1681, A replaced by C.
Protein change: p.Ser561Arg; replaces serine 561 with arginine.
Molecular consequence: missense variant.
Genome position (GRCh38, 1-based): chr10:43,112,885, A>C. VCF-style: chr10-43112885-A-C. GRCh37 (hg19) VCF-style: chr10-43608333-A-C.
Other names: c.1552A>C, p.Ser518Arg (NM_001406761.1, NM_001406762.1, NM_001406764.1 and 1 more transcripts); c.1681A>C, p.Ser561Arg (NM_001406763.1, NM_001406765.1, NM_000323.2 and 6 more transcripts); c.1393A>C, p.Ser465Arg (NM_001406766.1, NM_001406767.1, NM_001406770.1); c.1285A>C, p.Ser429Arg (NM_001406769.1, NM_001406772.1); c.1243A>C, p.Ser415Arg (NM_001406771.1, NM_001406773.1); c.691A>C, p.Ser231Arg (NM_001406784.1); c.784A>C, p.Ser262Arg (NM_001406785.1, NM_001406779.1, NM_001406780.1 and 3 more transcripts); c.655A>C, p.Ser219Arg (NM_001406786.1, NM_001406783.1); and 5 more; short protein forms S561R, S307R, S415R, S386R, S429R, S166R, S219R, S231R.
Identifiers: ClinVar variation 665308 (VCV000665308.15), dbSNP rs201972250, ClinGen allele CA035031.

ClinVar aggregate classification (germline): Uncertain significance. Review status: criteria provided, multiple submitters, no conflicts (2 of 4 stars). 5 submissions from 5 submitters: Uncertain significance (5). Last evaluated 2024-09-25.

Conditions:
Hirschsprung disease, susceptibility to, 1 (HSCR1). Also called: RET-Related Hirschsprung Disease. Identifiers: Orphanet 388, MedGen C3888239, MONDO:0007723, OMIM 142623.
Hereditary cancer-predisposing syndrome. Also called: Tumor predisposition; Hereditary neoplastic syndrome; Neoplastic Syndromes, Hereditary; Hereditary Cancer Syndrome. Identifiers: Orphanet 140162, MedGen C0027672, MeSH D009386, MONDO:0015356.
Multiple endocrine neoplasia, type 2 (MEN2). Identifiers: Orphanet 653, MedGen C4048306, MONDO:0019003. Disease mechanism: gain of function.

Allele frequency attached by ClinVar (database versions not stated): gnomAD exomes below 0.00001; gnomAD 0.00001; TOPMed 0.00002; 1000 Genomes Project 30x 0.00016; 1000 Genomes Project 0.00020.
gnomAD v4.1: 8 of 1,614,134 alleles (0.0005%); highest among the groups gnomAD compares: Non-Finnish European, 0.00068%; no homozygotes.

Submissions (5):

Labcorp Genetics (formerly Invitae), Labcorp
Classification: Uncertain significance for Multiple endocrine neoplasia, type 2. Last evaluated: 2024-09-25. Review status: criteria provided, single submitter. Criteria: Invitae Variant Classification Sherloc (09022015). Collection method: clinical testing. Allele origin: germline.
Comment: This sequence change replaces serine, which is neutral and polar, with arginine, which is basic and polar, at codon 561 of the RET protein (p.Ser561Arg). This variant is present in population databases (rs201972250, gnomAD 0.002%). This variant has not been reported in the literature in individuals affected with RET-related conditions. ClinVar contains an entry for this variant (Variation ID: 665308). An algorithm developed to predict the effect of missense changes on protein structure and function (PolyPhen-2) suggests that this variant¬†is likely to be tolerated. In summary, the available evidence is currently insufficient to determine the role of this variant in disease. Therefore, it has been classified as a Variant of Uncertain Significance.

Ambry Genetics
Classification: Uncertain significance for Hereditary cancer-predisposing syndrome. Last evaluated: 2024-01-17. Review status: criteria provided, single submitter. Criteria: Ambry Variant Classification Scheme 2023. Collection method: clinical testing. Allele origin: germline.
Comment: The p.S561R variant (also known as c.1681A>C), located in coding exon 9 of the RET gene, results from an A to C substitution at nucleotide position 1681. The serine at codon 561 is replaced by arginine, an amino acid with dissimilar properties. This amino acid position is not well conserved in available vertebrate species. In addition, the in silico prediction for this alteration is inconclusive. Since supporting evidence is limited at this time, the clinical significance of this alteration remains unclear.

Baylor Genetics
Classification: Uncertain significance for Hirschsprung disease, susceptibility to, 1. Last evaluated: 2024-01-15. Review status: criteria provided, single submitter. Criteria: ACMG Guidelines, 2015. Collection method: clinical testing. Allele origin: unknown.

All of Us Research Program, National Institutes of Health
Classification: Uncertain significance for Multiple endocrine neoplasia, type 2. Last evaluated: 2023-09-18. Review status: criteria provided, single submitter. Criteria: ACMG Guidelines, 2015. Collection method: clinical testing. Allele origin: germline. Inheritance: Autosomal dominant inheritance. Observed: 1 variant allele, 1 heterozygote.
Comment: This missense variant replaces serine with arginine at codon 561 of the RET protein. Computational prediction suggests that this variant may not impact protein structure and function (internally defined REVEL score threshold <= 0.5, PMID: 27666373). To our knowledge, functional studies have not been reported for this variant. This variant has not been reported in individuals affected with RET-related disorders in the literature. This variant has been identified in 2/251312 chromosomes in the general population by the Genome Aggregation Database (gnomAD). The available evidence is insufficient to determine the role of this variant in disease conclusively. Therefore, this variant is classified as a Variant of Uncertain Significance.

This study involves interpretation of variants in research participants for the purpose of population health screening. Participant phenotype was not available at the time of variant classification. Additional details can be found in publication PMID: 35346344, PMCID: PMC8962531

Color Diagnostics, LLC DBA Color Health
Classification: Uncertain significance for Multiple endocrine neoplasia, type 2. Last evaluated: 2023-07-27. Review status: criteria provided, single submitter. Criteria: ACMG Guidelines, 2015. Collection method: clinical testing. Allele origin: germline.
Comment: This missense variant replaces serine with arginine at codon 561 of the RET protein. Computational prediction suggests that this variant may not impact protein structure and function (internally defined REVEL score threshold <= 0.5, PMID: 27666373). To our knowledge, functional studies have not been reported for this variant. This variant has not been reported in individuals affected with RET-related disorders in the literature. This variant has been identified in 2/251312 chromosomes in the general population by the Genome Aggregation Database (gnomAD). The available evidence is insufficient to determine the role of this variant in disease conclusively. Therefore, this variant is classified as a Variant of Uncertain Significance.